The following is an entry in ClinVar:

ClinVar aggregate classification (germline): Uncertain significance (1 of 4 stars; one submission).

Conditions:
Bethlem myopathy 1A. Also called: Bethlem myopathy 1; Bethlem Muscular Dystrophy; MYOPATHY, BENIGN CONGENITAL, WITH CONTRACTURES. Identifiers: Orphanet 610, MedGen CN029274, MONDO:0024530, OMIM 158810.

gnomAD v4.1: 2 of 1,608,314 alleles (0.00012%); highest among the groups gnomAD compares: African/African-American, 0.0027%; no homozygotes.

Submission:

Labcorp Genetics (formerly Invitae), Labcorp
Classification: Uncertain significance for Bethlem myopathy 1A. Last evaluated: 2025-06-12. Review status: criteria provided, single submitter. Criteria: Invitae Variant Classification Sherloc (09022015). Collection method: clinical testing. Allele origin: germline.
Comment: This sequence change replaces threonine, which is neutral and polar, with lysine, which is basic and polar, at codon 952 of the COL6A2 protein (p.Thr952Lys). This variant is present in population databases (rs147670858, gnomAD 0.007%). This variant has not been reported in the literature in individuals affected with COL6A2-related conditions. Invitae Evidence Modeling of protein sequence and biophysical properties (such as structural, functional, and spatial information, amino acid conservation, physicochemical variation, residue mobility, and thermodynamic stability) indicates that this missense variant is expected to disrupt COL6A2 protein function with a positive predictive value of 80%. In summary, the available evidence is currently insufficient to determine the role of this variant in disease. Therefore, it has been classified as a Variant of Uncertain Significance.

NM_001849.4(COL6A2):c.2855C>A (p.Thr952Lys)

Gene: COL6A2 (collagen type VI alpha 2 chain; plus strand). Cytogenetic location: 21q22.3.
Variant type: single nucleotide variant.
Coding change: c.2855C>A on transcript NM_001849.4 (MANE Select); coding-DNA position 2855, C replaced by A.
Protein change: p.Thr952Lys; replaces threonine 952 with lysine.
Molecular consequence: missense variant.
Genome position (GRCh38, 1-based): chr21:46,132,347, C>A. VCF-style: chr21-46132347-C-A. GRCh37 (hg19) VCF-style: chr21-47552261-C-A.
Other names: short protein forms T952K.
Identifiers: ClinVar variation 4762792 (VCV004762792.1).